The following is an entry in ClinVar:

ClinVar aggregate classification (germline): Pathogenic (3 of 4 stars; one submission).

Conditions:
Glanzmann thrombasthenia. Also called: PLATELET GLYCOPROTEIN IIb-IIIa DEFICIENCY; Thrombasthenia; Glanzmann's thrombasthenia; BLEEDING DISORDER, PLATELET-TYPE, 2; THROMBASTHENIA OF GLANZMANN AND NAEGELI. Identifiers: Orphanet 849, MedGen C0040015, MONDO:0100326.

Submission:

ClinGen Platelet Disorders Variant Curation Expert Panel, ClinGen
Classification: Pathogenic for Glanzmann thrombasthenia. Last evaluated: 2024-02-20. Review status: reviewed by expert panel. Criteria: ClinGen Platelet ACMG Specifications v2-1. Collection method: curation. Allele origin: germline. Inheritance: Autosomal recessive inheritance.
Comment: The c.1815C>T variant in ITGB3 is a single nucleotide substitution that does not alter the protein sequence (p.Gly605=). RT-PCR and sequencing analysis revealed a 100-nucleotide deletion, corresponding to the 3’-end of exon 11 (c.1814_1913del), in the patient. The deletion results in a shift of the reading frame and the appearance of a premature stop codon (in exon 11 of 15) after 30 altered amino acids (p.Gly605Glufs*31), which is predicted to result in nonsense mediated decay (PVS1). Exon trapping analysis of genomic DNA encompassing either the normal or mutated exon 11, demonstrated that the identified mutation was forcing alternative splicing of β3-mRNA. One proband is reported, meeting the bleeding phenotype criteria. Platelet aggregation in response to ADP, thrombin, collagen and adrenaline was absent and Ristocetin was normal. Flow cytometry analysis revealed undetectable levels of platelet glycoproteins αIIb and β3. (PMID: 15886806) (PP4_Moderate). This variant has been detected homozygous (PMID: 15886806) (PM3_Supporting). This variant is absent from gnomADv4.0.0 (PM2_Supporting). In summary, this variant meets the criteria to be classified as Pathogenic for autosomal recessive Glanzmann Thrombasthenia based on the ACMG/AMP criteria applied, as specified by the ClinGen PD VCEP: PVS1, PP4_Moderate, PM3_Supporting, PM2_Supporting.

NM_000212.3(ITGB3):c.1815C>T (p.Gly605=)

Gene: ITGB3 (integrin subunit beta 3; plus strand). Cytogenetic location: 17q21.32.
Variant type: single nucleotide variant.
Coding change: c.1815C>T on transcript NM_000212.3 (MANE Select); coding-DNA position 1815, C replaced by T.
Protein change: p.Gly605=; no amino-acid change (glycine 605 retained).
Molecular consequence: synonymous variant.
Genome position (GRCh38, 1-based): chr17:47,299,432, C>T. VCF-style: chr17-47299432-C-T. GRCh37 (hg19) VCF-style: chr17-45376798-C-T.
Other names: NM_000212.3:c.1815C>T.
Identifiers: ClinVar variation 3242395 (VCV003242395.1), dbSNP rs2547621060.